The following is an entry in ClinVar:

NM_000059.4(BRCA2):c.6886A>C (p.Ile2296Leu)

Gene: BRCA2 (BRCA2 DNA repair associated; plus strand). Cytogenetic location: 13q13.1.
Variant type: single nucleotide variant.
Coding change: c.6886A>C on transcript NM_000059.4 (MANE Select); coding-DNA position 6886, A replaced by C.
Protein change: p.Ile2296Leu; replaces isoleucine 2296 with leucine.
Molecular consequence: missense variant.
Genome position (GRCh38, 1-based): chr13:32,344,602, A>C. VCF-style: chr13-32344602-A-C. GRCh37 (hg19) VCF-style: chr13-32918739-A-C.
Other names: NP_000050.3:p.Ile2296Leu; short protein forms I2296L.
Identifiers: ClinVar variation 142797 (VCV000142797.47), dbSNP rs576279166, ClinGen allele CA024540.

ClinVar aggregate classification (germline): Conflicting classifications of pathogenicity. Review status: criteria provided, conflicting classifications (1 of 4 stars). 14 submissions from 13 submitters: Uncertain significance (2); Benign (1); Likely benign (9). 2 of the submissions do not count toward it. Last evaluated 2026-01-19.

Conditions:
Hereditary cancer-predisposing syndrome. Also called: Tumor predisposition; Neoplastic Syndromes, Hereditary; Hereditary neoplastic syndrome; Hereditary Cancer Syndrome. Identifiers: Orphanet 140162, MedGen C0027672, MeSH D009386, MONDO:0015356.
Familial cancer of breast. Also called: BREAST CANCER, FAMILIAL; hereditary breast carcinoma; Hereditary breast cancer. Identifiers: Orphanet 227535, MedGen C0346153, MONDO:0016419, OMIM 114480. Disease mechanism: loss of function.
Breast-ovarian cancer, familial, susceptibility to, 2 (BROVCA2). Also called: BRCA2 Hereditary Breast and Ovarian Cancer. Identifiers: Orphanet 145, MedGen C2675520, MONDO:0012933, OMIM 612555. Disease mechanism: loss of function.
Hereditary breast ovarian cancer syndrome. Also called: Hereditary breast and ovarian cancer; Hereditary breast and ovarian cancer syndrome (HBOC); Hereditary breast and ovarian cancer syndrome; BRCA1- and BRCA2-Associated Hereditary Breast and Ovarian Cancer; Breast and ovarian cancer; Hereditary breast and/or ovarian cancer syndrome. Identifiers: Orphanet 145, MedGen C0677776, MeSH D061325, MONDO:0003582. Disease mechanism: loss of function.
Fanconi anemia complementation group D1. Also called: BRCA2-Related Fanconi Anemia. Identifiers: Orphanet 319462, MedGen C1838457, MONDO:0011584, OMIM 605724.

Allele frequency attached by ClinVar (database versions not stated): gnomAD below 0.00001 and 0.00005; TOPMed 0.00002; gnomAD exomes 0.00018; ExAC 0.00021; 1000 Genomes Project 30x 0.00031; 1000 Genomes Project 0.00040.
gnomAD v4.1: 125 of 1,583,180 alleles (0.0079%); highest among the groups gnomAD compares: South Asian, 0.13%; no homozygotes.

Submissions (14):

Labcorp Genetics (formerly Invitae), Labcorp
Classification: Likely benign for Hereditary breast ovarian cancer syndrome. Last evaluated: 2026-01-19. Review status: criteria provided, single submitter. Criteria: Invitae Variant Classification Sherloc (09022015). Collection method: clinical testing. Allele origin: germline.

Mayo Clinic Laboratories, Mayo Clinic
Classification: Benign. Last evaluated: 2025-03-17. Review status: criteria provided, single submitter. Criteria: ACMG Guidelines, 2015. Collection method: clinical testing. Allele origin: germline. Observed: 1 variant allele.
Comment: BS1, BP1_strong, BP5

Women's Health and Genetics/Laboratory Corporation of America, LabCorp
Classification: Likely benign. Last evaluated: 2024-10-28. Review status: criteria provided, single submitter. Criteria: LabCorp Variant Classification Summary - May 2015. Collection method: clinical testing. Allele origin: germline.
Comment: Variant summary: BRCA2 c.6886A>C (p.Ile2296Leu) results in a conservative amino acid change in the encoded protein sequence. Five of five in-silico tools predict a benign effect of the variant on protein function. Several computational tools predict a significant impact on normal splicing: One predict the variant no significant impact on splicing. One predict the variant strengthens a cryptic 3' acceptor site. One predict the variant creates a 5' donor site. However, these predictions have yet to be confirmed by functional studies. The variant allele was found at a frequency of 0.00018 in 249818 control chromosomes, predominantly at a frequency of 0.0014 within the South Asian subpopulation in the gnomAD database. The observed variant frequency within South Asian control individuals in the gnomAD database is approximately 2 fold of the estimated maximal expected allele frequency for a pathogenic variant in BRCA2 causing Hereditary Breast And Ovarian Cancer Syndrome phenotype (0.00075). c.6886A>C has been reported in the literature in an individual affected with Hereditary Breast And Ovarian Cancer Syndrome without strong evidence of causality (Mehta_2018). This report does not provide unequivocal conclusions about association of the variant with Hereditary Breast And Ovarian Cancer Syndrome. The variant was tested by mini-gene assay and was reported to lead to very slight exon 12 skipping (Meulemans_2020).. ClinVar contains an entry for this variant (Variation ID: 142797). Based on the evidence outlined above, the variant was classified as likely benign.

Department of Pathology and Laboratory Medicine, Sinai Health System
Classification: Likely benign for Familial cancer of breast; Breast-ovarian cancer, familial, susceptibility to, 2. Last evaluated: 2024-07-08. Review status: criteria provided, single submitter. Criteria: ACMG Guidelines, 2015. Collection method: clinical testing. Allele origin: germline. Affected: yes.

Foundation for Research in Genetics and Endocrinology, FRIGE's Institute of Human Genetics
Classification: Uncertain significance for Breast-ovarian cancer, familial, susceptibility to, 2. Last evaluated: 2022-11-18. Review status: criteria provided, single submitter. Criteria: ACMG Guidelines, 2015. Collection method: clinical testing. Allele origin: germline. Inheritance: Autosomal dominant inheritance. Affected: yes. Observed: 1 heterozygote.
Comment: A heterozygous missense variation in exon 12 of the BRCA2 gene that results in the amino acid substitution of leucine for isoleucine at codon 2296 was detected. The reference codon is conserved across primates. The variant meets our criteria to be classified as a variant of uncertain significance.

Quest Diagnostics Nichols Institute San Juan Capistrano
Classification: Likely benign. Last evaluated: 2022-03-29. Review status: criteria provided, single submitter. Criteria: Quest Diagnostics criteria. Collection method: clinical testing. Allele origin: unknown.

National Health Laboratory Service, Universitas Academic Hospital and University of the Free State
Classification: Likely benign for Hereditary breast ovarian cancer syndrome. Last evaluated: 2021-11-16. Review status: criteria provided, single submitter. Criteria: ACMG Guidelines, 2015. Collection method: clinical testing. Allele origin: germline. Affected: yes. Observed: 1 variant allele.

GeneDx
Classification: Likely benign. Last evaluated: 2021-02-25. Review status: criteria provided, single submitter. Criteria: GeneDx Variant Classification Process June 2021. Collection method: clinical testing. Allele origin: germline. Affected: yes.
Comment: This variant is associated with the following publications: (PMID: 32046981, 30555256, 21811163)

Ambry Genetics
Classification: Likely benign for Hereditary cancer-predisposing syndrome. Last evaluated: 2019-02-27. Review status: criteria provided, single submitter. Criteria: Ambry Variant Classification Scheme 2023. Collection method: clinical testing. Allele origin: germline.

Illumina Laboratory Services, Illumina
Classification: Uncertain significance for Fanconi anemia complementation group D1. Last evaluated: 2018-01-13. Review status: criteria provided, single submitter. Criteria: ICSL Variant Classification Criteria 13 December 2019. Collection method: clinical testing. Allele origin: germline.

Illumina Laboratory Services, Illumina
Classification: Likely benign for Breast-ovarian cancer, familial, susceptibility to, 2. Last evaluated: 2018-01-13. Review status: criteria provided, single submitter. Criteria: ICSL Variant Classification Criteria 13 December 2019. Collection method: clinical testing. Allele origin: germline.
Comment: This variant was observed in the ICSL laboratory as part of a predisposition screen in an ostensibly healthy population. It had not been previously curated by ICSL or reported in the Human Gene Mutation Database (HGMD: prior to June 1st, 2018), and was therefore a candidate for classification through an automated scoring system. Utilizing variant allele frequency, disease prevalence and penetrance estimates, and inheritance mode, an automated score was calculated to assess if this variant is too frequent to cause the disease. Based on the score and internal cut-off values, a variant classified as likely benign is not then subjected to further curation. The score for this variant resulted in a classification of likely benign for this disease.

Color Diagnostics, LLC DBA Color Health
Classification: Likely benign for Hereditary cancer-predisposing syndrome. Last evaluated: 2016-11-04. Review status: criteria provided, single submitter. Criteria: ACMG Guidelines, 2015. Collection method: clinical testing. Allele origin: germline.

True Health Diagnostics
Classification: Uncertain significance for Hereditary cancer-predisposing syndrome. Last evaluated: 2018-02-05. Review status: no assertion criteria provided. Collection method: clinical testing. Allele origin: germline. Not counted in ClinVar's aggregate classification.

Counsyl
Classification: Uncertain significance for Breast-ovarian cancer, familial, susceptibility to, 2. Last evaluated: 2016-02-12. Review status: no assertion criteria provided. Collection method: clinical testing. Allele origin: unknown. Not counted in ClinVar's aggregate classification.

Literature cited by the submitters: PubMed 30555256 (cited by 3 submitters); PubMed 32046981 (cited by Women's Health and Genetics/Laboratory Corporation of America, LabCorp and Quest Diagnostics Nichols Institute San Juan Capistrano); PubMed 33471991 (cited by Department of Pathology and Laboratory Medicine, Sinai Health System and Quest Diagnostics Nichols Institute San Juan Capistrano); PubMed 33526602 (cited by Quest Diagnostics Nichols Institute San Juan Capistrano); PubMed 30212499 (cited by Quest Diagnostics Nichols Institute San Juan Capistrano); DOI 10.3389/fgene.2022.834265 (cited by National Health Laboratory Service, Universitas Academic Hospital and University of the Free State).